The following is an entry in ClinVar:

NM_018136.5(ASPM):c.1409_1411delinsTT (p.Pro470fs)

Gene: ASPM (assembly factor for spindle microtubules; minus strand). Cytogenetic location: 1q31.3.
Variant type: Indel.
Coding change: c.1409_1411delinsTT on transcript NM_018136.5 (MANE Select); coding-DNA positions 1409 to 1411, CTA replaced by TT.
Protein change: p.Pro470fs; shifts the reading frame from proline 470.
Molecular consequence: frameshift variant.
Genome position (GRCh38, 1-based): chr1:197,142,841-197,142,843, TAG replaced by AA on the plus strand (CTA replaced by TT on the coding strand, the reverse complement: ASPM is on the minus strand). VCF-style: chr1-197142841-TAG-AA. GRCh37 (hg19) VCF-style: chr1-197111971-TAG-AA.
Other names: c.1409_1411delinsTT, p.Pro470fs (NM_001206846.2); short protein forms P470fs.
Identifiers: ClinVar variation 818033 (VCV000818033.1), dbSNP rs1571630284, ClinGen allele CA915941984.

ClinVar aggregate classification (germline): Pathogenic (1 of 4 stars; one submission).

Submission:

GeneDx
Classification: Pathogenic. Last evaluated: 2019-02-22. Review status: criteria provided, single submitter. Criteria: GeneDx Variant Classification (06012015). Collection method: clinical testing. Allele origin: germline. Affected: yes.
Comment: The c.1409_1411delCTAinsTT variant in the ASPM gene has not been reported previously as a pathogenic variant nor as a benign variant, to our knowledge. The c.1409_1411delCTAinsTT variant causes a frameshift starting with codon Proline 470, changes this amino acid to a Leucine residue, and creates a premature Stop codon at position 62 of the new reading frame, denoted p.Pro470LeufsX62. This variant is predicted to cause loss of normal protein function either through protein truncation or nonsense-mediated mRNA decay. The c.1409_1411delCTAinsTT variant is not observed in large population cohorts (Lek et al., 2016). We interpret c.1409_1411delCTAinsTT as a pathogenic variant.